The following is an entry in ClinVar:

NM_000158.4(GBE1):c.1239del (p.Asp413fs)

Gene: GBE1 (1,4-alpha-glucan branching enzyme 1; minus strand). Cytogenetic location: 3p12.2.
Variant type: Deletion.
Coding change: c.1239del on transcript NM_000158.4 (MANE Select); coding-DNA position 1239, one base deleted (T; older notation c.1239delT).
Protein change: p.Asp413fs; shifts the reading frame from aspartic acid 413.
Molecular consequence: frameshift variant.
Genome position (GRCh38, 1-based): chr3:81,586,188, A deleted on the plus strand (T on the coding strand, the reverse complement: GBE1 is on the minus strand). VCF-style (leftmost placement, unchanged base first): chr3-81586187-CA-C. GRCh37 (hg19) VCF-style: chr3-81635338-CA-C.
Other names: NM_000158.4(GBE1):c.1239del; p.Asp413fs; p.Asp413Glufs*23; c.1239delT (NM_000158.4); c.1239del (NM_000158.3); short protein forms D413fs.
Identifiers: ClinVar variation 449407 (VCV000449407.28), dbSNP rs758504480, ClinGen allele CA2499726.

ClinVar aggregate classification (germline): Pathogenic/Likely pathogenic. Review status: criteria provided, multiple submitters, no conflicts (2 of 4 stars). 12 submissions from 12 submitters: Pathogenic (10); Likely pathogenic (1). 1 of the submissions does not count toward it. Last evaluated 2025-12-29.

Conditions:
Glycogen storage disease, type IV (GSD4). Also called: GBE1 DEFICIENCY; GLYCOGEN BRANCHING ENZYME DEFICIENCY; GLYCOGENOSIS IV; GSD IV; AMYLOPECTINOSIS; ANDERSEN DISEASE. Identifiers: Orphanet 367, MedGen C0017923, MONDO:0009292, OMIM 232500.
Glycogen storage disease IV, classic hepatic. Also called: GSD IV, CLASSIC HEPATIC. Identifiers: MedGen C1856301.
GBE1-related disorder. Also called: GBE1-related condition; GBE1-related disorders. Identifiers: MedGen CN239402.

Allele frequency attached by ClinVar (database versions not stated): gnomAD exomes below 0.00001 and 0.00003; ExAC 0.00001; gnomAD 0.00001; TOPMed 0.00003.

Submissions (12):

Dasa
Classification: Pathogenic. Last evaluated: 2025-12-29. Review status: criteria provided, single submitter. Criteria: DASA Assertion Criteria. Collection method: clinical testing. Allele origin: germline.
Comment: NM_000158.4(GBE1):c.1239del (p.Asp413Glufs*23) introduces a premature termination codon predicted to result in loss of normal protein function. Loss-of-function is an established mechanism of disease for this gene. This variant has been observed in affected individuals with related phenotype in a genotype context consistent with recessive disease. The variant is present at low frequency in population datasets. Based on the available data, this variant is classified as pathogenic.

Labcorp Genetics (formerly Invitae), Labcorp
Classification: Pathogenic for Glycogen storage disease, type IV; Glycogen storage disease IV, classic hepatic. Last evaluated: 2025-12-10. Review status: criteria provided, single submitter. Criteria: Invitae Variant Classification Sherloc (09022015). Collection method: clinical testing. Allele origin: germline.
Comment: This sequence change creates a premature translational stop signal (p.Asp413Glufs*23) in the GBE1 gene. It is expected to result in an absent or disrupted protein product. Loss-of-function variants in GBE1 are known to be pathogenic (PMID: 15452297, 20058079). This variant is present in population databases (rs758504480, gnomAD 0.01%). This premature translational stop signal has been observed in individuals with glycogen storage disease type IV (PMID: 15019703, 28973083). ClinVar contains an entry for this variant (Variation ID: 449407). For these reasons, this variant has been classified as Pathogenic.

Natera, Inc.
Classification: Pathogenic for Glycogen storage disease type IV. Last evaluated: 2025-08-06. Review status: criteria provided, single submitter. Criteria: Natera Variant Classification Schema (03/2026). Collection method: clinical testing. Allele origin: germline.
Comment: The c.1239delT variant in GBE1 is a frameshift variant predicted to shift the reading frame beginning at codon 413 and leads to a stop codon 23 codons downstream. This variant is expected to result in nonsense mediated decay, truncation, or a dysfunctional protein product. This variant is rare in the general population with a frequency below the threshold expected for the associated phenotype(s). This variant has been observed in one or more individuals affected with the associated recessive disease, as either homozygous or compound heterozygous with a second variant (PMID: 15019703). Given the available evidence, this variant is classified as Pathogenic.

Women's Health and Genetics/Laboratory Corporation of America, LabCorp
Classification: Pathogenic for Glycogen storage disease, type IV. Last evaluated: 2025-05-15. Review status: criteria provided, single submitter. Criteria: LabCorp Variant Classification Summary - May 2015. Collection method: clinical testing. Allele origin: germline.
Comment: Variant summary: GBE1 c.1239delT (p.Asp413GlufsX23) results in a premature termination codon, predicted to cause a truncation of the encoded protein or absence of the protein due to nonsense mediated decay, which are commonly known mechanisms for disease. Consensus agreement among computation tools predict no significant impact on normal splicing. However, these predictions have yet to be confirmed by functional studies. The variant allele was found at a frequency of 3.4e-05 in 236568 control chromosomes (gnomAD). c.1239delT has been observed in individuals affected with Glycogen Storage Disease, Type IV (e.g. Tay_2004, Akman_2006). These data indicate that the variant may be associated with disease. One of these publications reported extremely low branching enzyme activities (<1%) in a patient derived sample (Tay_2004). The following publications have been ascertained in the context of this evaluation (PMID: 15019703, 16874838). ClinVar contains an entry for this variant (Variation ID: 449407). Based on the evidence outlined above, the variant was classified as pathogenic.

Myriad Genetics, Inc.
Classification: Pathogenic for Glycogen storage disease, type IV. Last evaluated: 2024-05-06. Review status: criteria provided, single submitter. Criteria: Myriad Autosomal Dominant, Autosomal Recessive and X-Linked Classification Criteria (2023). Collection method: clinical testing. Allele origin: unknown.
Comment: NM_000158.3(GBE1):c.1239delT(D413Efs*23) is expected to be pathogenic in the context of glycogen storage disease, GBE1-related. This variant is predicted to lead to an abnormal or absent protein product due to the creation of a premature termination codon in GBE1, a gene where loss-of-function variants are known to be pathogenic. Please note: this variant was assessed in the context of healthy population screening.

Baylor Genetics
Classification: Pathogenic for Glycogen storage disease, type IV. Last evaluated: 2024-03-18. Review status: criteria provided, single submitter. Criteria: ACMG Guidelines, 2015. Collection method: clinical testing. Allele origin: unknown.

Blueprint Genetics
Classification: Pathogenic for GBE1-related disorders. Last evaluated: 2023-11-27. Review status: criteria provided, single submitter. Criteria: ACMG Guidelines, 2015. Collection method: clinical testing. Allele origin: germline. Affected: yes. Observed: 1 variant allele.

Mayo Clinic Laboratories, Mayo Clinic
Classification: Pathogenic. Last evaluated: 2023-10-23. Review status: criteria provided, single submitter. Criteria: ACMG Guidelines, 2015. Collection method: clinical testing. Allele origin: germline. Observed: 1 variant allele.
Comment: PP4, PM2_moderate, PM3, PVS1

GeneDx
Classification: Pathogenic. Last evaluated: 2022-10-06. Review status: criteria provided, single submitter. Criteria: GeneDx Variant Classification Process June 2021. Collection method: clinical testing. Allele origin: germline. Affected: yes.
Comment: Frameshift variant predicted to result in protein truncation or nonsense mediated decay in a gene for which loss-of-function is a known mechanism of disease; This variant is associated with the following publications: (PMID: 15019703, 22305237, 20058079, 28973083, 32746448, 27535533)

Broad Center for Mendelian Genomics, Broad Institute of MIT and Harvard
Classification: Likely pathogenic for Glycogen storage disease, type IV. Last evaluated: 2022-01-27. Review status: criteria provided, single submitter. Criteria: ACMG Guidelines, 2015. Collection method: curation. Allele origin: germline. Inheritance: Autosomal recessive inheritance.
Comment: The p.Asp413fs variant in GBE1 has been reported in 4 individuals with glycogen storage disease type IV (GSD IV) (PMID: 15019703, 28973083, 22305237, 32746448), segregated with disease in 1 affected relative from 1 family (PMID: 22305237), and has been identified in 0.02% (7/31680) of Latino/Admixed American chromosomes by the Genome Aggregation Database (gnomAD; dbSNP ID: rs779141550). Although this variant has been seen in the general population in a heterozygous state, its frequency is not high enough to rule out a pathogenic role. Of the 3 affected individuals, 1 affected individual was a homozygote, and 1 was a compound heterozygote that carried a reported likely pathogenic variant in trans, which increases the likelihood that the p.Asp413fs variant is pathogenic (VariationID: 449406; PMID: 15019703, 28973083). This variant has also been reported in ClinVar (Variation ID#: 449407) and has been interpreted as pathogenic by Invitae, GeneDx, Natera, Inc., and PerkinElmer Genomics. This variant is predicted to cause a frameshift, which alters the protein’s amino acid sequence beginning at position 413 and leads to a premature termination codon 23 amino acids downstream. This alteration is then predicted to lead to a truncated or absent protein. Loss of function of the GBE1 gene is an established disease mechanism in autosomal recessive GSD IV. In summary, although additional studies are required to fully establish its clinical significance, this variant is likely pathogenic for autosomal recessive GSD IV. ACMG/AMP Criteria applied: PVS1, PM3 (Richards 2015).

Revvity Omics, Revvity
Classification: Pathogenic. Last evaluated: 2021-03-10. Review status: criteria provided, single submitter. Criteria: ACMG Guidelines, 2015. Collection method: clinical testing. Allele origin: germline.

PreventionGenetics, part of Exact Sciences
Classification: Pathogenic for GBE1-related condition. Last evaluated: 2024-07-18. Review status: no assertion criteria provided. Collection method: clinical testing. Allele origin: germline. Not counted in ClinVar's aggregate classification.
Comment: The GBE1 c.1239delT variant is predicted to result in a frameshift and premature protein termination (p.Asp413Glufs*23). This variant has been reported as causative for autosomal recessive glycogen storage disease 4 (Tay et al. 2004. PubMed ID: 15019703; Meng et al. 2017. PubMed ID: 28973083). This variant is reported in 0.022% of alleles in individuals of Latino descent in gnomAD. Frameshift variants in GBE1 are expected to be pathogenic. This variant is interpreted as pathogenic.

Literature cited by the submitters: PubMed 15452297 (cited by Labcorp Genetics (formerly Invitae), Labcorp); PubMed 20058079 (cited by Labcorp Genetics (formerly Invitae), Labcorp); PubMed 15019703 (cited by 4 submitters); PubMed 28973083 (cited by Labcorp Genetics (formerly Invitae), Labcorp and Mayo Clinic Laboratories, Mayo Clinic); PubMed 16874838 (cited by Women's Health and Genetics/Laboratory Corporation of America, LabCorp and Mayo Clinic Laboratories, Mayo Clinic); PubMed 22305237 (cited by Mayo Clinic Laboratories, Mayo Clinic); PubMed 32746448 (cited by Mayo Clinic Laboratories, Mayo Clinic); PubMed 35606495 (cited by Mayo Clinic Laboratories, Mayo Clinic).